The following is an entry in ClinVar:

ClinVar aggregate classification (germline): Uncertain significance (1 of 4 stars; one submission).

gnomAD v4.1: 4 of 1,613,860 alleles (0.00025%); highest among the groups gnomAD compares: African/African-American, 0.0013%; no homozygotes.

Submission:

Labcorp Genetics (formerly Invitae), Labcorp
Classification: Uncertain significance. Last evaluated: 2024-03-14. Review status: criteria provided, single submitter. Criteria: Invitae Variant Classification Sherloc (09022015). Collection method: clinical testing. Allele origin: germline.
Comment: This sequence change replaces isoleucine, which is neutral and non-polar, with threonine, which is neutral and polar, at codon 608 of the IL23R protein (p.Ile608Thr). This variant is present in population databases (rs752735535, gnomAD 0.004%). This variant has not been reported in the literature in individuals affected with IL23R-related conditions. Algorithms developed to predict the effect of missense changes on protein structure and function output the following: SIFT: "Not Available"; PolyPhen-2: "Benign"; Align-GVGD: "Not Available". The threonine amino acid residue is found in multiple mammalian species, which suggests that this missense change does not adversely affect protein function. In summary, the available evidence is currently insufficient to determine the role of this variant in disease. Therefore, it has been classified as a Variant of Uncertain Significance.

NM_144701.3(IL23R):c.1823T>C (p.Ile608Thr)

Gene: IL23R (interleukin 23 receptor; plus strand). Cytogenetic location: 1p31.3.
Variant type: single nucleotide variant.
Coding change: c.1823T>C on transcript NM_144701.3 (MANE Select); coding-DNA position 1823, T replaced by C.
Protein change: p.Ile608Thr; replaces isoleucine 608 with threonine.
Molecular consequence: missense variant.
Genome position (GRCh38, 1-based): chr1:67,259,061, T>C. VCF-style: chr1-67259061-T-C. GRCh37 (hg19) VCF-style: chr1-67724744-T-C.
Other names: short protein forms I608T.
Identifiers: ClinVar variation 3612376 (VCV003612376.2).